The following is an entry in ClinVar:

NM_001126121.2(SLC25A19):c.622C>T (p.Pro208Ser)

Gene: SLC25A19 (solute carrier family 25 member 19; minus strand). Cytogenetic location: 17q25.1.
Variant type: single nucleotide variant.
Coding change: c.622C>T on transcript NM_001126121.2 (MANE Select); coding-DNA position 622, C replaced by T.
Protein change: p.Pro208Ser; replaces proline 208 with serine.
Molecular consequence: missense variant.
Genome position (GRCh38, 1-based): chr17:75,278,173, G>A on the plus strand (C>T on the coding strand, the complement: SLC25A19 is on the minus strand). VCF-style: chr17-75278173-G-A. GRCh37 (hg19) VCF-style: chr17-73274254-G-A.
Other names: c.622C>T, p.Pro208Ser (NM_001126122.2, NM_021734.5); short protein forms P208S.
Identifiers: ClinVar variation 96021 (VCV000096021.20), dbSNP rs200276538, ClinGen allele CA223624.
Genomic context (GRCh38, chr17:75,278,173, plus strand): 5'-GGGGTGGGAGGGCTCCCTCTCGTGTGAGGGCTGCCTCACCATTTTTCTTTCCTTCGGCTG[G>A]TATGGCCCACTTGTACAGGTGCTTCAAGGAGCTGTAGCAAGAGAACTGCAGCCCGGCGTA-3'
Protein context (NP_001119593.1, residues 198-218): SLKHLYKWAI[Pro208Ser]AEGKKNENLQ

ClinVar aggregate classification (germline): Uncertain significance. Review status: criteria provided, multiple submitters, no conflicts (2 of 4 stars). 7 submissions from 7 submitters: Uncertain significance (7). Last evaluated 2026-09-01.

Conditions:
Inborn genetic diseases. Identifiers: MedGen C0950123, MeSH D030342.
Amish lethal microcephaly (MCPHA). Also called: THIAMINE METABOLISM DYSFUNCTION SYNDROME 3 (MICROCEPHALY TYPE); MICROCEPHALY, AMISH TYPE. Identifiers: Orphanet 99742, MedGen C1846648, MONDO:0011790, OMIM 607196.

Allele frequency attached by ClinVar (database versions not stated): TOPMed 0.00026; ESP Exome Variant Server 0.00015; ExAC 0.00012; gnomAD 0.00021 and 0.00023; gnomAD exomes 0.00033 and 0.00016.
gnomAD v4.1: 515 of 1,613,718 alleles (0.032%); highest among the groups gnomAD compares: Non-Finnish European, 0.04%; 1 homozygote.

Submissions (7):

CeGaT Center for Human Genetics Tuebingen
Classification: Uncertain significance. Last evaluated: 2026-09-01. Review status: criteria provided, single submitter. Criteria: CeGaT Center For Human Genetics Tuebingen Variant Classification Criteria Version 2. Collection method: clinical testing. Allele origin: germline. Affected: yes. Observed: 1 variant allele.
Comment: SLC25A19: PM2, BP4

Labcorp Genetics (formerly Invitae), Labcorp
Classification: Uncertain significance. Last evaluated: 2024-12-09. Review status: criteria provided, single submitter. Criteria: Invitae Variant Classification Sherloc (09022015). Collection method: clinical testing. Allele origin: germline.
Comment: This sequence change replaces proline, which is neutral and non-polar, with serine, which is neutral and polar, at codon 208 of the SLC25A19 protein (p.Pro208Ser). This variant is present in population databases (rs200276538, gnomAD 0.03%). This variant has not been reported in the literature in individuals affected with SLC25A19-related conditions. ClinVar contains an entry for this variant (Variation ID: 96021). An algorithm developed to predict the effect of missense changes on protein structure and function (PolyPhen-2) suggests that this variant¬†is likely to be tolerated. In summary, the available evidence is currently insufficient to determine the role of this variant in disease. Therefore, it has been classified as a Variant of Uncertain Significance.

Ambry Genetics
Classification: Uncertain significance for Inborn genetic diseases. Last evaluated: 2024-12-03. Review status: criteria provided, single submitter. Criteria: Ambry Variant Classification Scheme 2023. Collection method: clinical testing. Allele origin: germline.

GeneDx
Classification: Uncertain significance. Last evaluated: 2018-07-30. Review status: criteria provided, single submitter. Criteria: GeneDx Variant Classification (06012015). Collection method: clinical testing. Allele origin: germline. Affected: yes.
Comment: A variant of uncertain significance has been identified in the SLC25A19 gene. The P208S variant has not been published as a pathogenic variant, nor has it been reported as a benign variant to our knowledge. The P208S variant is observed in 12/65896 (0.02%) alleles from individuals of European background (Lek et al., 2016; 1000 Genomes Consortium et al., 2015; Exome Variant Server). The P208S variant is a non-conservative amino acid substitution, which is likely to impact secondary protein structure as these residues differ in polarity, charge, size and/or other properties. This substitution occurs at a position that is conserved in mammals. However, in silico analysis is inconsistent in its predictions as to whether or not the variant is damaging to the protein structure/function. Therefore, based on the currently available information, it is unclear whether this variant is a pathogenic variant or a rare benign variant.

Athena Diagnostics
Classification: Uncertain significance. Last evaluated: 2018-06-15. Review status: criteria provided, single submitter. Criteria: Athena Diagnostics Criteria. Collection method: clinical testing. Allele origin: germline.

Illumina Laboratory Services, Illumina
Classification: Uncertain significance for Amish lethal microcephaly. Last evaluated: 2018-01-13. Review status: criteria provided, single submitter. Criteria: ICSL Variant Classification Criteria 13 December 2019. Collection method: clinical testing. Allele origin: germline.

Eurofins Ntd Llc (ga)
Classification: Uncertain significance. Last evaluated: 2013-08-12. Review status: criteria provided, single submitter. Criteria: EGL Classification Definitions 2015. Collection method: clinical testing. Allele origin: germline. Observed: 1 variant allele, 1 heterozygote.